The following is an entry in ClinVar:

ClinVar aggregate classification (germline): Uncertain significance (1 of 4 stars; one submission).

Conditions:
Intellectual developmental disorder 62. Also called: MENTAL RETARDATION, AUTOSOMAL DOMINANT 62; INTELLECTUAL DEVELOPMENTAL DISORDER, AUTOSOMAL DOMINANT 62. Identifiers: MedGen C5394083, MONDO:0032919, OMIM 618793.

Allele frequency attached by ClinVar (database versions not stated): gnomAD exomes below 0.00001.

Submission:

Victorian Clinical Genetics Services, Murdoch Childrens Research Institute
Classification: Uncertain significance for Intellectual developmental disorder 62. Last evaluated: 2023-07-17. Review status: criteria provided, single submitter. Criteria: ACMG Guidelines, 2015. Collection method: clinical testing. Allele origin: germline. Inheritance: Autosomal dominant inheritance. Affected: yes.
Comment: Based on the classification scheme VCGS_Germline_v1.3.4, this variant is classified as VUS-3A. Following criteria are met: 0102 - Loss of function is a known mechanism of disease in this gene and is associated with intellectual developmental disorder 62 (MIM#618793). The mechanism for missense variants is unclear. (I) 0107 - This gene is associated with autosomal dominant disease. (I) 0200 - Variant is predicted to result in a missense amino acid change from arginine to tryptophan. (I) 0251 - This variant is heterozygous. (I) 0301 - Variant is absent from gnomAD (both v2 and v3). (SP) 0501 - Missense variant consistently predicted to be damaging by multiple in silico tools or highly conserved with a major amino acid change. (SP) 0604 - Variant is not located in an established domain, motif, hotspot or informative constraint region. (I) 0705 - No comparable missense variants have previous evidence for pathogenicity. (I) 0807 - This variant has no previous evidence of pathogenicity. (I) 0905 - No published segregation evidence has been identified for this variant. (I) 1007 - No published functional evidence has been identified for this variant. (I) 1208 - Inheritance information for this variant is not currently available in this individual. (I) Legend: (SP) - Supporting pathogenic, (I) - Information, (SB) - Supporting benign

NM_001321075.3(DLG4):c.451C>T (p.Arg151Trp)

Gene: DLG4 (discs large MAGUK scaffold protein 4; minus strand). Cytogenetic location: 17p13.1.
Variant type: single nucleotide variant.
Coding change: c.451C>T on transcript NM_001321075.3 (MANE Select); coding-DNA position 451, C replaced by T.
Protein change: p.Arg151Trp; replaces arginine 151 with tryptophan.
Molecular consequence: missense variant. On other transcripts: non-coding transcript variant (1).
Genome position (GRCh38, 1-based): chr17:7,203,478, G>A on the plus strand (C>T on the coding strand, the complement: DLG4 is on the minus strand). VCF-style: chr17-7203478-G-A. GRCh37 (hg19) VCF-style: chr17-7106797-G-A.
Other names: c.442C>T, p.Arg148Trp (NM_001128827.4); c.571C>T, p.Arg191Trp (NM_001321074.1); c.271C>T, p.Arg91Trp (NM_001321076.3, NM_001321077.3); c.580C>T, p.Arg194Trp (NM_001365.5); c.370C>T, p.Arg124Trp (NM_001369566.3); short protein forms R124W, R148W, R151W, R191W, R194W, R91W.
Identifiers: ClinVar variation 3254754 (VCV003254754.1), dbSNP rs2508024417.